The following is an entry in ClinVar:

NM_017890.5(VPS13B):c.4205T>G (p.Leu1402Arg)

Gene: VPS13B (vacuolar protein sorting 13 homolog B; plus strand). Cytogenetic location: 8q22.2.
Variant type: single nucleotide variant.
Coding change: c.4205T>G on transcript NM_017890.5 (MANE Plus Clinical); coding-DNA position 4205, T replaced by G.
Protein change: p.Leu1402Arg; replaces leucine 1402 with arginine.
Molecular consequence: missense variant. On other transcripts: intron variant (1).
Genome position (GRCh38, 1-based): chr8:99,507,817, T>G. VCF-style: chr8-99507817-T-G. GRCh37 (hg19) VCF-style: chr8-100520045-T-G.
Other names: c.4224+614T>G (NM_152564.5); short protein forms L1402R.
Identifiers: ClinVar variation 1063899 (VCV001063899.7), dbSNP rs2133626664, ClinGen allele CA371870642.

ClinVar aggregate classification (germline): Uncertain significance (1 of 4 stars; one submission).

Conditions:
Cohen syndrome (COH1). Also called: PEPPER SYNDROME; Cutis verticis gyrata, retinitis pigmentosa, and sensorineural deafness. Identifiers: Orphanet 193, MedGen C0265223, MONDO:0008999, OMIM 216550.

Submission:

Labcorp Genetics (formerly Invitae), Labcorp
Classification: Uncertain significance for Cohen syndrome. Last evaluated: 2020-05-07. Review status: criteria provided, single submitter. Criteria: Invitae Variant Classification Sherloc (09022015). Collection method: clinical testing. Allele origin: germline.
Comment: In summary, the available evidence is currently insufficient to determine the role of this variant in disease. Therefore, it has been classified as a Variant of Uncertain Significance. Algorithms developed to predict the effect of missense changes on protein structure and function are either unavailable or do not agree on the potential impact of this missense change (SIFT: "Not Available"; PolyPhen-2: "Probably Damaging"; Align-GVGD: "Not Available"). This variant has not been reported in the literature in individuals with VPS13B-related conditions. This variant is not present in population databases (ExAC no frequency). This sequence change replaces leucine with arginine at codon 1402 of the VPS13B protein (p.Leu1402Arg). The leucine residue is moderately conserved and there is a moderate physicochemical difference between leucine and arginine.